The following is an entry in ClinVar:

NM_004304.5(ALK):c.328T>C (p.Trp110Arg)

Gene: ALK (ALK receptor tyrosine kinase; minus strand). Cytogenetic location: 2p23.1.
Variant type: single nucleotide variant.
Coding change: c.328T>C on transcript NM_004304.5 (MANE Select); coding-DNA position 328, T replaced by C.
Protein change: p.Trp110Arg; replaces tryptophan 110 with arginine.
Molecular consequence: missense variant.
Genome position (GRCh38, 1-based): chr2:29,920,332, A>G on the plus strand (T>C on the coding strand, the complement: ALK is on the minus strand). VCF-style: chr2-29920332-A-G. GRCh37 (hg19) VCF-style: chr2-30143198-A-G.
Other names: c.328T>C (NM_004304.4); short protein forms W110R.
Identifiers: ClinVar variation 1061980 (VCV001061980.10), dbSNP rs1572503431, ClinGen allele CA346590254.

ClinVar aggregate classification (germline): Uncertain significance. Review status: criteria provided, multiple submitters, no conflicts (2 of 4 stars). 2 submissions from 2 submitters: Uncertain significance (2). Last evaluated 2024-05-25.

Conditions:
Hereditary cancer-predisposing syndrome. Also called: Tumor predisposition; Neoplastic Syndromes, Hereditary; Hereditary Cancer Syndrome; Hereditary neoplastic syndrome. Identifiers: Orphanet 140162, MedGen C0027672, MeSH D009386, MONDO:0015356.
Neuroblastoma, susceptibility to, 3. Also called: ALK-Related Neuroblastic Tumor Susceptibility. Identifiers: Orphanet 635, MedGen C2751681, MONDO:0013083, OMIM 613014.

gnomAD v4.1: 3 of 1,553,012 alleles (0.00019%); highest among the groups gnomAD compares: East Asian, 0.0024%; no homozygotes.

Submissions (2):

Ambry Genetics
Classification: Uncertain significance for Hereditary cancer-predisposing syndrome. Last evaluated: 2024-05-25. Review status: criteria provided, single submitter. Criteria: Ambry Variant Classification Scheme 2023. Collection method: clinical testing. Allele origin: germline.
Comment: The p.W110R variant (also known as c.328T>C), located in coding exon 1 of the ALK gene, results from a T to C substitution at nucleotide position 328. The tryptophan at codon 110 is replaced by arginine, an amino acid with dissimilar properties. This amino acid position is conserved. In addition, this alteration is predicted to be tolerated by in silico analysis. Based on the available evidence, the clinical significance of this variant remains unclear.

Labcorp Genetics (formerly Invitae), Labcorp
Classification: Uncertain significance for Neuroblastoma, susceptibility to, 3. Last evaluated: 2024-05-21. Review status: criteria provided, single submitter. Criteria: Invitae Variant Classification Sherloc (09022015). Collection method: clinical testing. Allele origin: germline.
Comment: This sequence change replaces tryptophan, which is neutral and slightly polar, with arginine, which is basic and polar, at codon 110 of the ALK protein (p.Trp110Arg). This variant is not present in population databases (gnomAD no frequency). This variant has not been reported in the literature in individuals affected with ALK-related conditions. ClinVar contains an entry for this variant (Variation ID: 1061980). Algorithms developed to predict the effect of missense changes on protein structure and function output the following: SIFT: "Not Available"; PolyPhen-2: "Benign"; Align-GVGD: "Not Available". The arginine amino acid residue is found in multiple mammalian species, which suggests that this missense change does not adversely affect protein function. In summary, the available evidence is currently insufficient to determine the role of this variant in disease. Therefore, it has been classified as a Variant of Uncertain Significance.